The following is an entry in ClinVar:

NM_001040108.2(MLH3):c.242T>A (p.Val81Glu)

Gene: MLH3 (mutL homolog 3; minus strand). Cytogenetic location: 14q24.3.
Variant type: single nucleotide variant.
Coding change: c.242T>A on transcript NM_001040108.2 (MANE Select); coding-DNA position 242, T replaced by A.
Protein change: p.Val81Glu; replaces valine 81 with glutamic acid.
Molecular consequence: missense variant.
Genome position (GRCh38, 1-based): chr14:75,049,414, A>T on the plus strand (T>A on the coding strand, the complement: MLH3 is on the minus strand). VCF-style: chr14-75049414-A-T. GRCh37 (hg19) VCF-style: chr14-75516117-A-T.
Other names: c.242T>A, p.Val81Glu (NM_014381.3); short protein forms V81E.
Identifiers: ClinVar variation 3232484 (VCV003232484.1), dbSNP rs907606500, ClinGen allele CA390451268.

ClinVar aggregate classification (germline): Uncertain significance (1 of 4 stars; one submission).

Submission:

Ambry Genetics
Classification: Uncertain significance. Last evaluated: 2024-02-22. Review status: criteria provided, single submitter. Criteria: Ambry Variant Classification Scheme 2023. Collection method: clinical testing. Allele origin: germline.
Comment: The p.V81E variant (also known as c.242T>A), located in coding exon 1 of the MLH3 gene, results from a T to A substitution at nucleotide position 242. The valine at codon 81 is replaced by glutamic acid, an amino acid with dissimilar properties. This amino acid position is conserved. In addition, the in silico prediction for this alteration is inconclusive. Based on the available evidence, the clinical significance of this alteration remains unclear.